The following is an entry in ClinVar:

ClinVar aggregate classification (germline): Uncertain significance (1 of 4 stars; one submission).

Conditions:
Immunodeficiency 35 (IMD35). Also called: TYK2 DEFICIENCY; HIES WITH ATYPICAL MYCOBACTERIOSIS, AUTOSOMAL RECESSIVE; HYPER-IgE SYNDROME WITH ATYPICAL MYCOBACTERIOSIS, AUTOSOMAL RECESSIVE; Susceptibility to infection due to TYK2 deficiency. Identifiers: Orphanet 331226, MedGen C1969086, MONDO:0012682, OMIM 611521.

Allele frequency attached by ClinVar (database versions not stated): gnomAD exomes 0.00001.
gnomAD v4.1: 11 of 1,606,972 alleles (0.00068%); highest among the groups gnomAD compares: South Asian, 0.0033%; no homozygotes.

Submission:

Labcorp Genetics (formerly Invitae), Labcorp
Classification: Uncertain significance for Immunodeficiency 35. Last evaluated: 2018-07-19. Review status: criteria provided, single submitter. Criteria: Invitae Variant Classification Sherloc (09022015). Collection method: clinical testing. Allele origin: germline.
Comment: This sequence change replaces serine with asparagine at codon 340 of the TYK2 protein (p.Ser340Asn). The serine residue is moderately conserved and there is a small physicochemical difference between serine and asparagine. This variant is not present in population databases (ExAC no frequency). This variant has not been reported in the literature in individuals with TYK2-related disease. Algorithms developed to predict the effect of missense changes on protein structure and function output the following: SIFT: "Tolerated"; PolyPhen-2: "Benign"; Align-GVGD: "Class C0". The asparagine amino acid residue is found in multiple mammalian species, suggesting that this missense change does not adversely affect protein function. These predictions have not been confirmed by published functional studies and their clinical significance is uncertain. In summary, the available evidence is currently insufficient to determine the role of this variant in disease. Therefore, it has been classified as a Variant of Uncertain Significance.

NM_003331.5(TYK2):c.1019G>A (p.Ser340Asn)

Gene: TYK2 (tyrosine kinase 2; minus strand). Cytogenetic location: 19p13.2.
Variant type: single nucleotide variant.
Coding change: c.1019G>A on transcript NM_003331.5 (MANE Select); coding-DNA position 1019, G replaced by A.
Protein change: p.Ser340Asn; replaces serine 340 with asparagine.
Molecular consequence: missense variant.
Genome position (GRCh38, 1-based): chr19:10,365,041, C>T on the plus strand (G>A on the coding strand, the complement: TYK2 is on the minus strand). VCF-style: chr19-10365041-C-T. GRCh37 (hg19) VCF-style: chr19-10475717-C-T.
Other names: c.1019G>A (LRG_121t1); short protein forms S340N.
Identifiers: ClinVar variation 654810 (VCV000654810.7), dbSNP rs1599350449, ClinGen allele CA404015532.